The following is an entry in ClinVar:

NM_000368.5(TSC1):c.324T>C (p.Ser108=)

Gene: TSC1 (TSC complex subunit 1; minus strand). Cytogenetic location: 9q34.13.
Variant type: single nucleotide variant.
Coding change: c.324T>C on transcript NM_000368.5 (MANE Select); coding-DNA position 324, T replaced by C.
Protein change: p.Ser108=; no amino-acid change (serine 108 retained).
Molecular consequence: synonymous variant. On other transcripts: 5 prime UTR variant (18), non-coding transcript variant (5), intron variant (5).
Genome position (GRCh38, 1-based): chr9:132,925,626, A>G on the plus strand (T>C on the coding strand, the complement: TSC1 is on the minus strand). VCF-style: chr9-132925626-A-G. GRCh37 (hg19) VCF-style: chr9-135801013-A-G.
Other names: c.324T>C, p.Ser108= (NM_001162426.2, NM_001406592.1, NM_001406593.1 and 16 more transcripts); c.-40T>C (NM_001362177.2, NM_001406617.1, NM_001406618.1 and 5 more transcripts); c.-132T>C (NM_001406614.1, NM_001406616.1, NM_001406624.1); c.-165T>C (NM_001406615.1, NM_001406623.1); c.-554T>C (NM_001406626.1, NM_001406627.1, NM_001406628.1); c.-696T>C (NM_001406629.1); c.-770T>C (NM_001406630.1); c.210+1575T>C (NM_001406613.1, NM_001406612.1, NM_001406610.1 and 2 more transcripts).
Identifiers: ClinVar variation 4071067 (VCV004071067.1).

ClinVar aggregate classification (germline): Benign (1 of 4 stars; one submission).

Conditions:
Tuberous sclerosis 1 (TSC1). Identifiers: Orphanet 805, MedGen C1854465, MONDO:0008612, OMIM 191100.

Submission:

Myriad Genetics, Inc.
Classification: Benign for Tuberous sclerosis 1. Last evaluated: 2025-04-08. Review status: criteria provided, single submitter. Criteria: Myriad Autosomal Dominant, Autosomal Recessive and X-Linked Classification Criteria (2023). Collection method: clinical testing. Allele origin: unknown.
Comment: This variant is considered benign. This variant is a silent/synonymous amino acid change and it is not expected to impact splicing.